The following is an entry in ClinVar:

NM_000371.4(TTR):c.433C>T (p.Pro145Ser)

Gene: TTR (transthyretin; plus strand). Cytogenetic location: 18q12.1.
Variant type: single nucleotide variant.
Coding change: c.433C>T on transcript NM_000371.4 (MANE Select); coding-DNA position 433, C replaced by T.
Protein change: p.Pro145Ser; replaces proline 145 with serine.
Molecular consequence: missense variant.
Genome position (GRCh38, 1-based): chr18:31,598,664, C>T. VCF-style: chr18-31598664-C-T. GRCh37 (hg19) VCF-style: chr18-29178627-C-T.
Other names: short protein forms P145S.
Identifiers: ClinVar variation 2879873 (VCV002879873.5), dbSNP rs1434519437, ClinGen allele CA402158298.

ClinVar aggregate classification (germline): Uncertain significance. Review status: criteria provided, multiple submitters, no conflicts (2 of 4 stars). 3 submissions from 3 submitters: Uncertain significance (3). Last evaluated 2025-08-30.

Conditions:
Amyloidosis, hereditary systemic 1 (AMYLD1). Also called: Familial amyloid polyneuropathy; Transthyretin Amyloidosis; Hereditary Transthyretin Amyloidosis; Hereditary oculoleptomeningeal amyloid angiopathy; Familial Transthyretin Amyloidosis; AMYLOID CARDIOMYOPATHY. Identifiers: Orphanet 85447, Orphanet 85451, MedGen C2751492, MONDO:0971004, OMIM 105210.

Allele frequency attached by ClinVar (database versions not stated): TOPMed below 0.00001; gnomAD 0.00001.

Submissions (3):

Labcorp Genetics (formerly Invitae), Labcorp
Classification: Uncertain significance for Amyloidosis, hereditary systemic 1. Last evaluated: 2025-08-30. Review status: criteria provided, single submitter. Criteria: Invitae Variant Classification Sherloc (09022015). Collection method: clinical testing. Allele origin: germline.
Comment: This sequence change replaces proline, which is neutral and non-polar, with serine, which is neutral and polar, at codon 145 of the TTR protein (p.Pro145Ser). This variant is not present in population databases (gnomAD no frequency). This variant has not been reported in the literature in individuals affected with TTR-related conditions. ClinVar contains an entry for this variant (Variation ID: 2879873). Invitae Evidence Modeling of protein sequence and biophysical properties (such as structural, functional, and spatial information, amino acid conservation, physicochemical variation, residue mobility, and thermodynamic stability) indicates that this missense variant is expected to disrupt TTR protein function with a positive predictive value of 95%. In summary, the available evidence is currently insufficient to determine the role of this variant in disease. Therefore, it has been classified as a Variant of Uncertain Significance.

ARUP Laboratories, Molecular Genetics and Genomics, ARUP Laboratories
Classification: Uncertain significance. Last evaluated: 2024-04-18. Review status: criteria provided, single submitter. Criteria: ARUP Molecular Germline Variant Investigation Process 2024. Collection method: clinical testing. Allele origin: germline.
Comment: The TTR c.433C>T; p.Pro145Ser variant (rs1434519437), to our knowledge, is not reported in the medical literature but is reported in ClinVar (Variation ID: 2879873). This variant is absent from the Genome Aggregation Database (v2.1.1), indicating it is not a common polymorphism. Computational analyses are uncertain whether this variant is neutral or deleterious (REVEL: 0.531). Due to limited information, the clinical significance of this variant is uncertain at this time.

GeneDx
Classification: Uncertain significance. Last evaluated: 2024-02-05. Review status: criteria provided, single submitter. Criteria: GeneDx Variant Classification Process June 2021. Collection method: clinical testing. Allele origin: germline. Affected: yes.
Comment: Reported in an individual with isolated cardiomyopathy and a positive endomyocardial biospy with amyloid deposits (Patrosso et al., 1996, DOI 10.1016/0960-8966(96)88831-6); Not observed at significant frequency in large population cohorts (gnomAD); In silico analysis supports that this missense variant does not alter protein structure/function; This variant is associated with the following publications: (PMID: 11385707, Patrosso1996)